The following is an entry in ClinVar:

ClinVar aggregate classification (germline): Likely pathogenic (1 of 4 stars; one submission).

Conditions:
Asphyxiating thoracic dystrophy 5 (SRTD5). Also called: SHORT-RIB THORACIC DYSPLASIA 5 WITH OR WITHOUT POLYDACTYLY; SHORT-RIB THORACIC DYSPLASIA 5 WITHOUT POLYDACTYLY. Identifiers: Orphanet 474, MedGen C3280598, MONDO:0013717, OMIM 614376.
Senior-Loken syndrome 8 (SLSN8). Identifiers: Orphanet 3156, MedGen C4225376, MONDO:0014579, OMIM 616307.

Submission:

Labcorp Genetics (formerly Invitae), Labcorp
Classification: Likely pathogenic for Senior-Loken syndrome 8; Asphyxiating thoracic dystrophy 5. Last evaluated: 2021-04-19. Review status: criteria provided, single submitter. Criteria: Invitae Variant Classification Sherloc (09022015). Collection method: clinical testing. Allele origin: germline.
Comment: This variant has not been reported in the literature in individuals with WDR19-related conditions. In summary, the currently available evidence indicates that the variant is pathogenic, but additional data are needed to prove that conclusively. Therefore, this variant has been classified as Likely Pathogenic. Algorithms developed to predict the effect of sequence changes on RNA splicing suggest that this variant may disrupt the consensus splice site, but this prediction has not been confirmed by published transcriptional studies. This variant is not present in population databases (ExAC no frequency). This sequence change affects a donor splice site in intron 31 of the WDR19 gene. It is expected to disrupt RNA splicing. Variants that disrupt the donor or acceptor splice site typically lead to a loss of protein function (PMID: 16199547), and loss-of-function variants in WDR19 are known to be pathogenic (PMID: 22019273, 23559409, 23683095, 26275793, 27241786, 29068549).

Literature cited by the submitters: PubMed 16199547; PubMed 22019273; PubMed 23559409; PubMed 23683095; PubMed 26275793; PubMed 27241786; PubMed 29068549.

NM_025132.4(WDR19):c.3483+1G>C

Gene: WDR19 (WD repeat domain 19; plus strand). Cytogenetic location: 4p14.
Variant type: single nucleotide variant.
Coding change: c.3483+1G>C on transcript NM_025132.4 (MANE Select); the canonical splice donor site of the intron after coding-DNA position 3483, G replaced by C.
Molecular consequence: splice donor variant.
Genome position (GRCh38, 1-based): chr4:39,270,101, G>C. VCF-style: chr4-39270101-G-C. GRCh37 (hg19) VCF-style: chr4-39271721-G-C.
Other names: c.3003+1G>C (NM_001317924.2).
Identifiers: ClinVar variation 1518736 (VCV001518736.8), dbSNP rs2109497413, ClinGen allele CA356646587.